The following is an entry in ClinVar:

ClinVar aggregate classification (germline): Uncertain significance (1 of 4 stars; one submission).

Conditions:
Hyperlipidemia, familial combined, LPL related (FCHL3). Also called: Hyperapobetalipoproteinemia. Identifiers: MedGen C0020474, MONDO:0007759, OMIM 144250, HP:0008158.
Hyperlipoproteinemia, type I. Also called: HYPERLIPOPROTEINEMIA, TYPE IA; LPL DEFICIENCY; Lipase D deficiency; Familial Lipoprotein Lipase Deficiency; Familial hyperlipo-proteinemia type 1; Hyperlipemia essential familial. Identifiers: Orphanet 309015, Orphanet 444490, MedGen C0023817, MONDO:0009387, OMIM 238600. Disease mechanism: loss of function.

Allele frequency attached by ClinVar (database versions not stated): gnomAD 0.00002; TOPMed 0.00002.
gnomAD v4.1: 5 of 1,613,524 alleles (0.00031%); highest among the groups gnomAD compares: African/African-American, 0.0067%; no homozygotes.

Submission:

New York Genome Center
Classification: Uncertain significance for Hyperlipidemia, familial combined, LPL related; Hyperlipoproteinemia, type I. Last evaluated: 2022-04-20. Review status: criteria provided, single submitter. Criteria: NYGC Assertion Criteria 2020. Collection method: clinical testing. Allele origin: germline. Observed: 1 heterozygote.
Comment: The c.1414A>C variant has not previously been reported in the literature or public variant repositories (ClinVar, HGMD). The c.1414A>C variant isobserved in 9 alleles (~0.0015% minor allele frequency with 0 homozygotes) in population databases (gnomAD v2.1.1 and v3.1.2, TOPMed Freeze 8), suggesting it isnot a common benign variant in the populations represented in those databases. The c.1414A>C variant is located in exon 9 of this 10-exon gene and is predicted to replace a weakly conserved lysine amino acid with glutamine at position 472 of this 475-amino-acid protein. In silico tools predict the p.(Lys472Gln) variant to be benign [(REVEL = 0.244]; however, there are no functional studies to support or refute these predictions. Based on available evidence this c.1414A>C p.(Lys472Gln)variant identified in LPL is classified as a Variant of Uncertain Significance.

NM_000237.3(LPL):c.1414A>C (p.Lys472Gln)

Gene: LPL (lipoprotein lipase; plus strand). Cytogenetic location: 8p21.3.
Variant type: single nucleotide variant.
Coding change: c.1414A>C on transcript NM_000237.3 (MANE Select); coding-DNA position 1414, A replaced by C.
Protein change: p.Lys472Gln; replaces lysine 472 with glutamine.
Molecular consequence: missense variant.
Genome position (GRCh38, 1-based): chr8:19,962,206, A>C. VCF-style: chr8-19962206-A-C. GRCh37 (hg19) VCF-style: chr8-19819717-A-C.
Other names: short protein forms K472Q.
Identifiers: ClinVar variation 2502272 (VCV002502272.2), dbSNP rs1364598167, ClinGen allele CA370639135.